The following is an entry in ClinVar:

NM_005876.5(SPEG):c.7897G>A (p.Val2633Met)

Genes: ASIC4-AS1 (ASIC4 antisense RNA 1; minus strand), SPEG (striated muscle enriched protein kinase; plus strand). Cytogenetic location: 2q35.
Variant type: single nucleotide variant.
Coding change: c.7897G>A on transcript NM_005876.5 (MANE Select); coding-DNA position 7897, G replaced by A.
Protein change: p.Val2633Met; replaces valine 2633 with methionine.
Molecular consequence: missense variant.
Genome position (GRCh38, 1-based): chr2:219,488,536, G>A. VCF-style: chr2-219488536-G-A. GRCh37 (hg19) VCF-style: chr2-220353258-G-A.
Other names: short protein forms V2633M.
Identifiers: ClinVar variation 1306980 (VCV001306980.2), dbSNP rs754641174, ClinGen allele CA2127324.

ClinVar aggregate classification (germline): Uncertain significance (1 of 4 stars; one submission).

Allele frequency attached by ClinVar (database versions not stated): ExAC 0.00002; gnomAD 0.00001; TOPMed below 0.00001.
gnomAD v4.1: 9 of 1,604,440 alleles (0.00056%); highest among the groups gnomAD compares: Non-Finnish European, 0.0006%; no homozygotes.

Submission:

GeneDx
Classification: Uncertain significance. Last evaluated: 2019-07-29. Review status: criteria provided, single submitter. Criteria: GeneDx Variant Classification Process June 2021. Collection method: clinical testing. Allele origin: germline. Affected: yes.
Comment: Not observed at a significant frequency in large population cohorts (Lek et al., 2016); In silico analysis, which includes protein predictors and evolutionary conservation, supports that this variant does not alter protein structure/function; Has not been previously published as pathogenic or benign to our knowledge